The following is an entry in ClinVar:

NM_004655.4(AXIN2):c.1388G>C (p.Arg463Pro)

Gene: AXIN2 (axin 2; minus strand). Cytogenetic location: 17q24.1.
Variant type: single nucleotide variant.
Coding change: c.1388G>C on transcript NM_004655.4 (MANE Select); coding-DNA position 1388, G replaced by C.
Protein change: p.Arg463Pro; replaces arginine 463 with proline.
Molecular consequence: missense variant.
Genome position (GRCh38, 1-based): chr17:65,537,648, C>G on the plus strand (G>C on the coding strand, the complement: AXIN2 is on the minus strand). VCF-style: chr17-65537648-C-G. GRCh37 (hg19) VCF-style: chr17-63533766-C-G.
Other names: c.1388G>C (LRG_296t1); c.1388G>C, p.Arg463Pro (NM_001363813.1); short protein forms R463P.
Identifiers: ClinVar variation 408835 (VCV000408835.10), dbSNP rs1060502150, ClinGen allele CA16615560.
Genomic context (GRCh38, chr17:65,537,648, plus strand): 5'-GGCGGGAGCAGGGAGTGGTACTGCGAATGGTGGTGGTGGTGGTGGTCCGGGGAGCGGGAG[C>G]GGGGGCTATAGCGGCCTACGCCTGGAGACTGGCAGCCAGGGGTCTTGAGGACCCTGGACA-3'
Protein context (NP_004646.3, residues 453-473): QSPGVGRYSP[Arg463Pro]SRSPDHHHHH

ClinVar aggregate classification (germline): Uncertain significance. Review status: criteria provided, multiple submitters, no conflicts (2 of 4 stars). 3 submissions from 3 submitters: Uncertain significance (3). Last evaluated 2025-05-18.

Conditions:
Hereditary cancer-predisposing syndrome. Also called: Hereditary Cancer Syndrome; Hereditary neoplastic syndrome; Neoplastic Syndromes, Hereditary; Tumor predisposition. Identifiers: Orphanet 140162, MedGen C0027672, MeSH D009386, MONDO:0015356.
Oligodontia-cancer predisposition syndrome. Also called: TOOTH AGENESIS-COLORECTAL CANCER SYNDROME. Identifiers: Orphanet 300576, MedGen C1837750, MONDO:0012075, OMIM 608615. Disease mechanism: loss of function.

gnomAD v4.1: 1 of 1,575,606 alleles (0.000063%); highest among the groups gnomAD compares: Non-Finnish European, 0.000086%; no homozygotes.

Submissions (3):

Labcorp Genetics (formerly Invitae), Labcorp
Classification: Uncertain significance for Oligodontia-cancer predisposition syndrome. Last evaluated: 2025-05-18. Review status: criteria provided, single submitter. Criteria: Invitae Variant Classification Sherloc (09022015). Collection method: clinical testing. Allele origin: germline.
Comment: This sequence change replaces arginine, which is basic and polar, with proline, which is neutral and non-polar, at codon 463 of the AXIN2 protein (p.Arg463Pro). This variant is not present in population databases (gnomAD no frequency). This variant has not been reported in the literature in individuals affected with AXIN2-related conditions. ClinVar contains an entry for this variant (Variation ID: 408835). Invitae Evidence Modeling of protein sequence and biophysical properties (such as structural, functional, and spatial information, amino acid conservation, physicochemical variation, residue mobility, and thermodynamic stability) indicates that this missense variant is not expected to disrupt AXIN2 protein function with a negative predictive value of 80%. In summary, the available evidence is currently insufficient to determine the role of this variant in disease. Therefore, it has been classified as a Variant of Uncertain Significance.

Quest Diagnostics Nichols Institute San Juan Capistrano
Classification: Uncertain significance. Last evaluated: 2024-12-19. Review status: criteria provided, single submitter. Criteria: Quest Diagnostics criteria. Collection method: clinical testing. Allele origin: unknown.
Comment: The AXIN2 c.1388G>C (p.Arg463Pro) variant has not been reported in individuals with AXIN2-related conditions in the published literature. It also has not been reported in large, multi-ethnic general populations (Genome Aggregation Database). Analysis of this variant using bioinformatics tools for the prediction of the effect of amino acid changes on protein structure and function yielded predictions that this variant is damaging. Based on the available information, we are unable to determine the clinical significance of this variant.

Ambry Genetics
Classification: Uncertain significance for Hereditary cancer-predisposing syndrome. Last evaluated: 2024-03-01. Review status: criteria provided, single submitter. Criteria: Ambry Variant Classification Scheme 2023. Collection method: clinical testing. Allele origin: germline.
Comment: The p.R463P variant (also known as c.1388G>C), located in coding exon 5 of the AXIN2 gene, results from a G to C substitution at nucleotide position 1388. The arginine at codon 463 is replaced by proline, an amino acid with dissimilar properties. This amino acid position is conserved. In addition, the in silico prediction for this alteration is inconclusive. Based on the available evidence, the clinical significance of this alteration remains unclear.